The following is an entry in ClinVar:

ClinVar aggregate classification (germline): Uncertain significance (1 of 4 stars; one submission).

Conditions:
Bethlem myopathy 1A. Also called: Bethlem Muscular Dystrophy; MYOPATHY, BENIGN CONGENITAL, WITH CONTRACTURES; Bethlem myopathy 1. Identifiers: Orphanet 610, MedGen CN029274, MONDO:0024530, OMIM 158810.

gnomAD v4.1: 3 of 1,613,968 alleles (0.00019%); no homozygotes.

Submission:

Labcorp Genetics (formerly Invitae), Labcorp
Classification: Uncertain significance for Bethlem myopathy 1A. Last evaluated: 2022-06-19. Review status: criteria provided, single submitter. Criteria: Invitae Variant Classification Sherloc (09022015). Collection method: clinical testing. Allele origin: germline.
Comment: In summary, the available evidence is currently insufficient to determine the role of this variant in disease. Therefore, it has been classified as a Variant of Uncertain Significance. Advanced modeling of protein sequence and biophysical properties (such as structural, functional, and spatial information, amino acid conservation, physicochemical variation, residue mobility, and thermodynamic stability) performed at Invitae indicates that this missense variant is not expected to disrupt COL6A3 protein function. This variant has not been reported in the literature in individuals affected with COL6A3-related conditions. This variant is not present in population databases (gnomAD no frequency). This sequence change replaces proline, which is neutral and non-polar, with leucine, which is neutral and non-polar, at codon 1304 of the COL6A3 protein (p.Pro1304Leu).

NM_004369.4(COL6A3):c.3911C>T (p.Pro1304Leu)

Gene: COL6A3 (collagen type VI alpha 3 chain; minus strand). Cytogenetic location: 2q37.3.
Variant type: single nucleotide variant.
Coding change: c.3911C>T on transcript NM_004369.4 (MANE Select); coding-DNA position 3911, C replaced by T.
Protein change: p.Pro1304Leu; replaces proline 1304 with leucine.
Molecular consequence: missense variant.
Genome position (GRCh38, 1-based): chr2:237,372,106, G>A on the plus strand (C>T on the coding strand, the complement: COL6A3 is on the minus strand). VCF-style: chr2-237372106-G-A. GRCh37 (hg19) VCF-style: chr2-238280749-G-A.
Other names: c.2690C>T, p.Pro897Leu (NM_057164.5); c.3293C>T, p.Pro1098Leu (NM_057165.5, NM_057167.4); c.2090C>T, p.Pro697Leu (NM_057166.5); short protein forms P1098L, P1304L, P697L, P897L.
Identifiers: ClinVar variation 2420583 (VCV002420583.8), dbSNP rs1160776059, ClinGen allele CA351198314.